The following is an entry in ClinVar:

NM_001458.5(FLNC):c.6080G>C (p.Ser2027Thr)

Genes: FLNC (filamin C; plus strand), FLNC-AS1 (FLNC antisense RNA 1; minus strand). Cytogenetic location: 7q32.1.
Variant type: single nucleotide variant.
Coding change: c.6080G>C on transcript NM_001458.5 (MANE Select); coding-DNA position 6080, G replaced by C.
Protein change: p.Ser2027Thr; replaces serine 2027 with threonine.
Molecular consequence: missense variant.
Genome position (GRCh38, 1-based): chr7:128,852,903, G>C. VCF-style: chr7-128852903-G-C. GRCh37 (hg19) VCF-style: chr7-128492957-G-C.
Other names: c.5981G>C, p.Ser1994Thr (NM_001127487.2); short protein forms S1994T, S2027T.
Identifiers: ClinVar variation 1751451 (VCV001751451.2), dbSNP rs1808883156, ClinGen allele CA369211190.
Genomic context (GRCh38, chr7:128,852,903, plus strand): 5'-CCAAGGAGGTCGGGGAGCACGTGGTGAGCGTGCGCAAGAGTGGCAAGCATGTCACCAACA[G>C]CCCCTTCAAGATCCTGGTGGGGCCATCTGAGATCGGGGACGCCAGCAAGGTGCGGGTCTG-3'
Protein context (NP_001449.3, residues 2017-2037): VRKSGKHVTN[Ser2027Thr]PFKILVGPSE

ClinVar aggregate classification (germline): Uncertain significance (1 of 4 stars; one submission).

Conditions:
Cardiovascular phenotype. Identifiers: MedGen CN230736.

Submission:

Ambry Genetics
Classification: Uncertain significance for Cardiovascular phenotype. Last evaluated: 2021-12-29. Review status: criteria provided, single submitter. Criteria: Ambry Variant Classification Scheme 2023. Collection method: clinical testing. Allele origin: germline.
Comment: The p.S2027T variant (also known as c.6080G>C), located in coding exon 37 of the FLNC gene, results from a G to C substitution at nucleotide position 6080. The serine at codon 2027 is replaced by threonine, an amino acid with similar properties. This amino acid position is conserved. In addition, the in silico prediction for this alteration is inconclusive. Since supporting evidence is limited at this time, the clinical significance of this alteration remains unclear.